The following is an entry in ClinVar:

NM_002474.3(MYH11):c.4247A>G (p.Asp1416Gly)

Genes: MYH11 (myosin heavy chain 11; minus strand), NDE1 (nudE neurodevelopment protein 1; plus strand). Cytogenetic location: 16p13.11.
Variant type: single nucleotide variant.
Coding change: c.4247A>G on transcript NM_002474.3 (MANE Select); coding-DNA position 4247, A replaced by G.
Protein change: p.Asp1416Gly; replaces aspartic acid 1416 with glycine.
Molecular consequence: missense variant. On other transcripts: 3 prime UTR variant (2).
Genome position (GRCh38, 1-based): chr16:15,724,279, T>C on the plus strand (A>G on the coding strand, the complement: MYH11 is on the minus strand). VCF-style: chr16-15724279-T-C. GRCh37 (hg19) VCF-style: chr16-15818136-T-C.
Other names: c.4268A>G, p.Asp1423Gly (NM_001040113.2, NM_001040114.2); c.4247A>G, p.Asp1416Gly (NM_022844.3); c.*28T>C (NM_001143979.2, NM_017668.3); short protein forms D1416G, D1423G.
Identifiers: ClinVar variation 5025059 (VCV005025059.1).

ClinVar aggregate classification (germline): Uncertain significance (1 of 4 stars; one submission).

Conditions:
Familial thoracic aortic aneurysm and aortic dissection (TAAD). Also called: Thoracic aortic aneurysms and dissections. Identifiers: Orphanet 91387, MedGen C4707243, MONDO:0019625.

Submission:

Ambry Genetics
Classification: Uncertain significance for Familial thoracic aortic aneurysm and aortic dissection. Last evaluated: 2026-07-01. Review status: criteria provided, single submitter. Criteria: Ambry Variant Classification Scheme 2023. Collection method: clinical testing. Allele origin: germline.
Comment: The p.D1416G variant (also known as c.4247A>G), located in coding exon 30 of the MYH11 gene, results from an A to G substitution at nucleotide position 4247. The aspartic acid at codon 1416 is replaced by glycine, an amino acid with similar properties. This amino acid position is conserved. In addition, this alteration is predicted to be deleterious by in silico analysis. Based on the available evidence, the clinical significance of this variant remains unclear.